The following is an entry in ClinVar:

ClinVar aggregate classification (germline): Uncertain significance (1 of 4 stars; one submission).

Conditions:
Congenital contractural arachnodactyly (CCA). Also called: BEALS SYNDROME; Arthrogryposis, distal, type 9; Beals-Hecht syndrome. Identifiers: Orphanet 115, MedGen C0220668, MONDO:0007363, OMIM 121050.

Submission:

Labcorp Genetics (formerly Invitae), Labcorp
Classification: Uncertain significance for Congenital contractural arachnodactyly. Last evaluated: 2022-05-21. Review status: criteria provided, single submitter. Criteria: Invitae Variant Classification Sherloc (09022015). Collection method: clinical testing. Allele origin: germline.
Comment: In summary, the available evidence is currently insufficient to determine the role of this variant in disease. Therefore, it has been classified as a Variant of Uncertain Significance. Advanced modeling of protein sequence and biophysical properties (such as structural, functional, and spatial information, amino acid conservation, physicochemical variation, residue mobility, and thermodynamic stability) performed at Invitae indicates that this missense variant is not expected to disrupt FBN2 protein function. This variant has not been reported in the literature in individuals affected with FBN2-related conditions. This variant is not present in population databases (gnomAD no frequency). This sequence change replaces methionine, which is neutral and non-polar, with threonine, which is neutral and polar, at codon 1152 of the FBN2 protein (p.Met1152Thr).

NM_001999.4(FBN2):c.3455T>C (p.Met1152Thr)

Gene: FBN2 (fibrillin 2; minus strand). Cytogenetic location: 5q23.3.
Variant type: single nucleotide variant.
Coding change: c.3455T>C on transcript NM_001999.4 (MANE Select); coding-DNA position 3455, T replaced by C.
Protein change: p.Met1152Thr; replaces methionine 1152 with threonine.
Molecular consequence: missense variant.
Genome position (GRCh38, 1-based): chr5:128,338,950, A>G on the plus strand (T>C on the coding strand, the complement: FBN2 is on the minus strand). VCF-style: chr5-128338950-A-G. GRCh37 (hg19) VCF-style: chr5-127674642-A-G.
Other names: short protein forms M1152T.
Identifiers: ClinVar variation 1997205 (VCV001997205.4), dbSNP rs2479811661, ClinGen allele CA360759815.